The following is an entry in ClinVar:

NM_000384.3(APOB):c.12890G>A (p.Arg4297His)

Gene: APOB (apolipoprotein B; minus strand). Cytogenetic location: 2p24.1.
Variant type: single nucleotide variant.
Coding change: c.12890G>A on transcript NM_000384.3 (MANE Select); coding-DNA position 12890, G replaced by A.
Protein change: p.Arg4297His; replaces arginine 4297 with histidine.
Molecular consequence: missense variant.
Genome position (GRCh38, 1-based): chr2:21,002,532, C>T on the plus strand (G>A on the coding strand, the complement: APOB is on the minus strand). VCF-style: chr2-21002532-C-T. GRCh37 (hg19) VCF-style: chr2-21225404-C-T.
Other names: short protein forms R4297H.
Identifiers: ClinVar variation 630404 (VCV000630404.15), dbSNP rs375701380, ClinGen allele CA43488391.

ClinVar aggregate classification (germline): Conflicting classifications of pathogenicity. Review status: criteria provided, conflicting classifications (1 of 4 stars). 5 submissions from 5 submitters: Uncertain significance (3); Likely benign (2). Last evaluated 2025-04-09.

Conditions:
Cardiovascular phenotype. Identifiers: MedGen CN230736.
Hypercholesterolemia, autosomal dominant, type B (FHCL2). Also called: APOB-Related Familial Hypercholesterolemia, Autosomal Dominant; Hyperlipoproteinemia Type IIb; Familial Hypercholesterolemia Type B; APOLIPOPROTEIN B-100, FAMILIAL DEFECTIVE; APOLIPOPROTEIN B-100, FAMILIAL LIGAND-DEFECTIVE; Familial hypercholesterolemia 2. Identifiers: MedGen C1704417, MONDO:0007751, OMIM 144010.
Familial hypobetalipoproteinemia 1. Also called: APOB-Related Familial Hypobetalipoproteinemia; Hypobetalipoproteinemia, normotriglyceridemic; Acanthocytosis with hypobetalipoproteinemia. Identifiers: MedGen C4551990, MONDO:0014252, OMIM 615558.

Allele frequency attached by ClinVar (database versions not stated): gnomAD 0.00002; gnomAD exomes 0.00002 and 0.00003; TOPMed 0.00003.
gnomAD v4.1: 51 of 1,613,582 alleles (0.0032%); highest among the groups gnomAD compares: South Asian, 0.0077%; no homozygotes.

Submissions (5):

Molecular Diagnostic Laboratory for Inherited Cardiovascular Disease, Montreal Heart Institute
Classification: Uncertain significance for Cardiovascular phenotype. Last evaluated: 2025-04-09. Review status: criteria provided, single submitter. Criteria: ACMG Guidelines, 2015. Collection method: clinical testing. Allele origin: germline. Affected: yes.
Comment: PM2, BP4

Ambry Genetics
Classification: Likely benign for Cardiovascular phenotype. Last evaluated: 2025-03-13. Review status: criteria provided, single submitter. Criteria: Ambry Variant Classification Scheme 2023. Collection method: clinical testing. Allele origin: germline.

Quest Diagnostics Nichols Institute San Juan Capistrano
Classification: Uncertain significance. Last evaluated: 2024-09-06. Review status: criteria provided, single submitter. Criteria: Quest Diagnostics criteria. Collection method: clinical testing. Allele origin: unknown.
Comment: The APOB c.12890G>A (p.Arg4297His) variant has been reported in the published literature in individuals with familial hypercholesterolemia, with one of this individuals impacted by myocardial infarction (PMIDs: 23775634 (2013) and 37937776 (2023)). The frequency of this variant in the general population, 0.000085 (3/35402 chromosomes (Genome Aggregation Database)), is uninformative in the assessment of its pathogenicity. Analysis of this variant using bioinformatics tools for the prediction of the effect of amino acid changes on protein structure and function yielded predictions that this variant is benign. Based on the available information, we are unable to determine the clinical significance of this variant.

Labcorp Genetics (formerly Invitae), Labcorp
Classification: Likely benign for Familial hypobetalipoproteinemia 1; Hypercholesterolemia, autosomal dominant, type B. Last evaluated: 2024-04-23. Review status: criteria provided, single submitter. Criteria: Invitae Variant Classification Sherloc (09022015). Collection method: clinical testing. Allele origin: germline.

Fulgent Genetics
Classification: Uncertain significance for Hypercholesterolemia, autosomal dominant, type B; Familial hypobetalipoproteinemia 1. Last evaluated: 2021-08-09. Review status: criteria provided, single submitter. Criteria: ACMG Guidelines, 2015. Collection method: clinical testing. Allele origin: unknown.

Literature cited by the submitters: PubMed 23775634 (cited by Ambry Genetics and Quest Diagnostics Nichols Institute San Juan Capistrano); PubMed 37937776 (cited by Quest Diagnostics Nichols Institute San Juan Capistrano).